The following is an entry in ClinVar:

NM_001372.4(DNAH9):c.5263G>A (p.Ala1755Thr)

Gene: DNAH9 (dynein axonemal heavy chain 9; plus strand). Cytogenetic location: 17p12.
Variant type: single nucleotide variant.
Coding change: c.5263G>A on transcript NM_001372.4 (MANE Select); coding-DNA position 5263, G replaced by A.
Protein change: p.Ala1755Thr; replaces alanine 1755 with threonine.
Molecular consequence: missense variant.
Genome position (GRCh38, 1-based): chr17:11,704,314, G>A. VCF-style: chr17-11704314-G-A. GRCh37 (hg19) VCF-style: chr17-11607631-G-A.
Other names: short protein forms A1755T.
Identifiers: ClinVar variation 2514585 (VCV002514585.4), dbSNP rs768700076, ClinGen allele CA8395961.

ClinVar aggregate classification (germline): Uncertain significance. Review status: criteria provided, multiple submitters, no conflicts (2 of 4 stars). 2 submissions from 2 submitters: Uncertain significance (2). Last evaluated 2025-08-28.

Conditions:
Inborn genetic diseases. Identifiers: MedGen C0950123, MeSH D030342.

Allele frequency attached by ClinVar (database versions not stated): ExAC 0.00003; gnomAD exomes 0.00005; gnomAD 0.00006; TOPMed 0.00007.
gnomAD v4.1: 81 of 1,614,050 alleles (0.005%); highest among the groups gnomAD compares: Admixed American, 0.013%; no homozygotes.

Submissions (2):

Ambry Genetics
Classification: Uncertain significance for Inborn genetic diseases. Last evaluated: 2025-08-28. Review status: criteria provided, single submitter. Criteria: Ambry Variant Classification Scheme 2023. Collection method: clinical testing. Allele origin: germline.

Labcorp Genetics (formerly Invitae), Labcorp
Classification: Uncertain significance. Last evaluated: 2023-12-05. Review status: criteria provided, single submitter. Criteria: Invitae Variant Classification Sherloc (09022015). Collection method: clinical testing. Allele origin: germline.
Comment: This sequence change replaces alanine, which is neutral and non-polar, with threonine, which is neutral and polar, at codon 1755 of the DNAH9 protein (p.Ala1755Thr). This variant is present in population databases (rs768700076, gnomAD 0.01%). This variant has not been reported in the literature in individuals affected with DNAH9-related conditions. ClinVar contains an entry for this variant (Variation ID: 2514585). Advanced modeling of protein sequence and biophysical properties (such as structural, functional, and spatial information, amino acid conservation, physicochemical variation, residue mobility, and thermodynamic stability) performed at Invitae indicates that this missense variant is expected to disrupt DNAH9 protein function with a positive predictive value of 80%. In summary, the available evidence is currently insufficient to determine the role of this variant in disease. Therefore, it has been classified as a Variant of Uncertain Significance.